The following is an entry in ClinVar:

NM_001320752.2(STS):c.1189G>C (p.Asp397His)

Gene: STS (steroid sulfatase; plus strand). Cytogenetic location: Xp22.31.
Variant type: single nucleotide variant.
Coding change: c.1189G>C on transcript NM_001320752.2 (MANE Select); coding-DNA position 1189, G replaced by C.
Protein change: p.Asp397His; replaces aspartic acid 397 with histidine.
Molecular consequence: missense variant.
Genome position (GRCh38, 1-based): chrX:7,325,446, G>C. VCF-style: chrX-7325446-G-C. GRCh37 (hg19) VCF-style: chrX-7243487-G-C.
Other names: c.1189G>C, p.Asp397His (NM_000351.7, NM_001320753.2, NM_001320754.2); c.1225G>C, p.Asp409His (NM_001320750.3, NM_001320751.2); short protein forms D397H, D409H.
Identifiers: ClinVar variation 4540446 (VCV004540446.1).
Genomic context (GRCh38, chrX:7,325,446, plus strand): 5'-CTTCGTTGGCCCAGGGTGATACAGGCTGGCCAGAAGATTGATGAGCCCACTAGCAACATG[G>C]ACATATTTCCTACAGTAGCCAAGCTGGCTGGAGCTCCCTTGCCTGAGGACAGGTACTCTG-3'
Protein context (NP_001307681.2, residues 387-407): QKIDEPTSNM[Asp397His]IFPTVAKLAG

ClinVar aggregate classification (germline): Uncertain significance (1 of 4 stars; one submission).

Conditions:
X-linked ichthyosis with steryl-sulfatase deficiency (XLI). Also called: STS DEFICIENCY; Ichthyosis, X-Linked; Recessive X-linked ichthyosis; PLACENTAL STEROID SULFATASE DEFICIENCY; STEROID SULFATASE DEFICIENCY; STEROID SULFATASE DEFICIENCY DISEASE. Identifiers: Orphanet 461, MedGen C0079588, MONDO:0010622, OMIM 308100.

Submission:

MVZ Medizinische Genetik Mainz
Classification: Uncertain significance for X-linked ichthyosis with steryl-sulfatase deficiency. Last evaluated: 2025-11-26. Review status: criteria provided, single submitter. Criteria: UK Practice Guidelines For Variant Classification V4 01 2020. Collection method: clinical testing. Allele origin: germline. Inheritance: Unknown mechanism. Affected: yes. Observed: 1 variant allele.
Comment: ACMG Criteria: PP3_STR,PM2_SUP